The following is an entry in ClinVar:

ClinVar aggregate classification (germline): Uncertain significance (1 of 4 stars; one submission).

Conditions:
Supravalvar aortic stenosis (SVAS). Also called: Supravalvar aortic stenosis, Eisenberg type. Identifiers: Orphanet 3193, MedGen C0003499, MONDO:0008504, OMIM 185500, HP:0004381.

Allele frequency attached by ClinVar (database versions not stated): TOPMed below 0.00001; gnomAD 0.00001; 1000 Genomes Project 30x 0.00016; 1000 Genomes Project 0.00020.
gnomAD v4.1: 13 of 1,614,158 alleles (0.00081%); highest among the groups gnomAD compares: Middle Eastern, 0.016%; no homozygotes.

Submission:

Labcorp Genetics (formerly Invitae), Labcorp
Classification: Uncertain significance for Supravalvar aortic stenosis. Last evaluated: 2023-05-30. Review status: criteria provided, single submitter. Criteria: Invitae Variant Classification Sherloc (09022015). Collection method: clinical testing. Allele origin: germline.
Comment: In summary, the available evidence is currently insufficient to determine the role of this variant in disease. Therefore, it has been classified as a Variant of Uncertain Significance. Variants that disrupt the consensus splice site are a relatively common cause of aberrant splicing (PMID: 17576681, 9536098). Algorithms developed to predict the effect of sequence changes on RNA splicing suggest that this variant is not likely to affect RNA splicing. This variant has not been reported in the literature in individuals affected with ELN-related conditions. This variant is not present in population databases (gnomAD no frequency). This sequence change falls in intron 7 of the ELN gene. It does not directly change the encoded amino acid sequence of the ELN protein. It affects a nucleotide within the consensus splice site.

Literature cited by the submitters: PubMed 17576681; PubMed 9536098.

NM_000501.4(ELN):c.376+4C>T

Gene: ELN (elastin; plus strand). Cytogenetic location: 7q11.23.
Variant type: single nucleotide variant.
Coding change: c.376+4C>T on transcript NM_000501.4 (MANE Select); 4 bases into the intron after coding-DNA position 376, C replaced by T.
Molecular consequence: intron variant.
Genome position (GRCh38, 1-based): chr7:74,043,038, C>T. VCF-style: chr7-74043038-C-T. GRCh37 (hg19) VCF-style: chr7-73457368-C-T.
Other names: c.376+4C>T (NM_001081754.3, NM_001081753.3, NM_001278939.2 and 4 more transcripts); c.340+4C>T (NM_001278913.2); c.346+4C>T (NM_001278914.2, NM_001278917.2, NM_001081752.3 and 1 more transcripts).
Identifiers: ClinVar variation 3017581 (VCV003017581.3), dbSNP rs557524753, ClinGen allele CA160126929.